The following is an entry in ClinVar:

ClinVar aggregate classification (germline): Likely pathogenic (1 of 4 stars; one submission).

Conditions:
Otospondylomegaepiphyseal dysplasia, autosomal recessive (OSMEDB). Also called: CHONDRODYSTROPHY WITH SENSORINEURAL DEAFNESS; Insley-Astley syndrome. Identifiers: Orphanet 1427, MedGen CN034493, MONDO:0044206, OMIM 215150.

Submission:

3billion
Classification: Likely pathogenic for Otospondylomegaepiphyseal dysplasia, autosomal recessive. Review status: criteria provided, single submitter. Criteria: ACMG Guidelines, 2015. Collection method: clinical testing. Allele origin: unknown. Affected: yes. Observed: 1 heterozygote.
Comment: The variant is not observed in the gnomAD v2.1.1 dataset. The variant is predicted to result in a loss or disruption of normal protein function through nonsense-mediated decay (NMD) or protein truncation. Multiple pathogenic variants are reported downstream of the variant. Therefore, this variant is classified as Likely pathogenic according to the recommendation of ACMG/AMP guideline.

NM_080680.3(COL11A2):c.1408C>T (p.Gln470Ter)

Gene: COL11A2 (collagen type XI alpha 2 chain; minus strand). Cytogenetic location: 6p21.32.
Variant type: single nucleotide variant.
Coding change: c.1408C>T on transcript NM_080680.3 (MANE Select); coding-DNA position 1408, C replaced by T.
Protein change: p.Gln470Ter; replaces glutamine 470 with a stop codon.
Molecular consequence: nonsense.
Genome position (GRCh38, 1-based): chr6:33,179,757, G>A on the plus strand (C>T on the coding strand, the complement: COL11A2 is on the minus strand). VCF-style: chr6-33179757-G-A. GRCh37 (hg19) VCF-style: chr6-33147534-G-A.
Other names: c.1087C>T, p.Gln363Ter (NM_080679.3); c.1150C>T, p.Gln384Ter (NM_080681.3); short protein forms Q363*, Q384*, Q470*.
Identifiers: ClinVar variation 2572424 (VCV002572424.1), dbSNP rs2535272417, ClinGen allele CA363606002.